The following is an entry in ClinVar:

NM_006015.6(ARID1A):c.6694C>T (p.Arg2232Trp)

Gene: ARID1A (AT-rich interaction domain 1A; plus strand). Cytogenetic location: 1p36.11.
Variant type: single nucleotide variant.
Coding change: c.6694C>T on transcript NM_006015.6 (MANE Select); coding-DNA position 6694, C replaced by T.
Protein change: p.Arg2232Trp; replaces arginine 2232 with tryptophan.
Molecular consequence: missense variant.
Genome position (GRCh38, 1-based): chr1:26,780,592, C>T. VCF-style: chr1-26780592-C-T. GRCh37 (hg19) VCF-style: chr1-27107083-C-T.
Other names: c.6043C>T, p.Arg2015Trp (NM_139135.4); short protein forms R2232W, R2015W.
Identifiers: ClinVar variation 4700548 (VCV004700548.1).

ClinVar aggregate classification (germline): Uncertain significance (1 of 4 stars; one submission).

gnomAD v4.1: 3 of 1,613,912 alleles (0.00019%); highest among the groups gnomAD compares: Non-Finnish European, 0.00025%; no homozygotes.

Submission:

Labcorp Genetics (formerly Invitae), Labcorp
Classification: Uncertain significance. Last evaluated: 2025-02-06. Review status: criteria provided, single submitter. Criteria: Invitae Variant Classification Sherloc (09022015). Collection method: clinical testing. Allele origin: germline.
Comment: This sequence change replaces arginine, which is basic and polar, with tryptophan, which is neutral and slightly polar, at codon 2232 of the ARID1A protein (p.Arg2232Trp). This variant is not present in population databases (gnomAD no frequency). This variant has not been reported in the literature in individuals affected with ARID1A-related conditions. Invitae Evidence Modeling of protein sequence and biophysical properties (such as structural, functional, and spatial information, amino acid conservation, physicochemical variation, residue mobility, and thermodynamic stability) has been performed for this missense variant. However, the output from this modeling did not meet the statistical confidence thresholds required to predict the impact of this variant on ARID1A protein function. In summary, the available evidence is currently insufficient to determine the role of this variant in disease. Therefore, it has been classified as a Variant of Uncertain Significance.